The following is an entry in ClinVar:

NM_001134407.3(GRIN2A):c.1565T>C (p.Val522Ala)

Gene: GRIN2A (glutamate ionotropic receptor NMDA type subunit 2A; minus strand). Cytogenetic location: 16p13.2.
Variant type: single nucleotide variant.
Coding change: c.1565T>C on transcript NM_001134407.3 (MANE Select); coding-DNA position 1565, T replaced by C.
Protein change: p.Val522Ala; replaces valine 522 with alanine.
Molecular consequence: missense variant.
Genome position (GRCh38, 1-based): chr16:9,840,733, A>G on the plus strand (T>C on the coding strand, the complement: GRIN2A is on the minus strand). VCF-style: chr16-9840733-A-G. GRCh37 (hg19) VCF-style: chr16-9934590-A-G.
Other names: c.1565T>C, p.Val522Ala (NM_000833.5, NM_001134408.2); short protein forms V522A.
Identifiers: ClinVar variation 2862311 (VCV002862311.3), dbSNP rs2542831963, ClinGen allele CA394800359.

ClinVar aggregate classification (germline): Uncertain significance (1 of 4 stars; one submission).

Conditions:
Landau-Kleffner syndrome (FESD). Also called: EPILEPSY, FOCAL, WITH SPEECH DISORDER AND WITH OR WITHOUT MENTAL RETARDATION; APHASIA, ACQUIRED, WITH EPILEPSY. Identifiers: Orphanet 1945, Orphanet 725, Orphanet 98818, MedGen C0282512, MONDO:0009509, OMIM 245570.

Submission:

Labcorp Genetics (formerly Invitae), Labcorp
Classification: Uncertain significance for Landau-Kleffner syndrome. Last evaluated: 2023-05-17. Review status: criteria provided, single submitter. Criteria: Invitae Variant Classification Sherloc (09022015). Collection method: clinical testing. Allele origin: germline.
Comment: In summary, the available evidence is currently insufficient to determine the role of this variant in disease. Therefore, it has been classified as a Variant of Uncertain Significance. Advanced modeling of protein sequence and biophysical properties (such as structural, functional, and spatial information, amino acid conservation, physicochemical variation, residue mobility, and thermodynamic stability) performed at Invitae indicates that this missense variant is expected to disrupt GRIN2A protein function. This variant has not been reported in the literature in individuals affected with GRIN2A-related conditions. This variant is not present in population databases (gnomAD no frequency). This sequence change replaces valine, which is neutral and non-polar, with alanine, which is neutral and non-polar, at codon 522 of the GRIN2A protein (p.Val522Ala).